The following is an entry in ClinVar:

NM_004787.4(SLIT2):c.4489A>T (p.Ser1497Cys)

Gene: SLIT2 (slit guidance ligand 2; plus strand). Cytogenetic location: 4p15.31.
Variant type: single nucleotide variant.
Coding change: c.4489A>T on transcript NM_004787.4 (MANE Select); coding-DNA position 4489, A replaced by T.
Protein change: p.Ser1497Cys; replaces serine 1497 with cysteine.
Molecular consequence: missense variant.
Genome position (GRCh38, 1-based): chr4:20,618,908, A>T. VCF-style: chr4-20618908-A-T. GRCh37 (hg19) VCF-style: chr4-20620531-A-T.
Other names: c.4477A>T, p.Ser1493Cys (NM_001289135.3); c.4465A>T, p.Ser1489Cys (NM_001289136.3); short protein forms S1493C, S1489C, S1497C.
Identifiers: ClinVar variation 4693148 (VCV004693148.1).

ClinVar aggregate classification (germline): Uncertain significance (1 of 4 stars; one submission).

gnomAD v4.1: 12 of 1,614,000 alleles (0.00074%); highest among the groups gnomAD compares: Non-Finnish European, 0.001%; no homozygotes.

Submission:

Labcorp Genetics (formerly Invitae), Labcorp
Classification: Uncertain significance. Last evaluated: 2025-10-06. Review status: criteria provided, single submitter. Criteria: Invitae Variant Classification Sherloc (09022015). Collection method: clinical testing. Allele origin: germline.
Comment: This sequence change replaces serine, which is neutral and polar, with cysteine, which is neutral and slightly polar, at codon 1497 of the SLIT2 protein (p.Ser1497Cys). This variant is not present in population databases (gnomAD no frequency). This variant has not been reported in the literature in individuals affected with SLIT2-related conditions. An algorithm developed to predict the effect of missense changes on protein structure and function (PolyPhen-2) suggests that this variant is likely to be disruptive. In summary, the available evidence is currently insufficient to determine the role of this variant in disease. Therefore, it has been classified as a Variant of Uncertain Significance.